The following is an entry in ClinVar:

NM_032043.3(BRIP1):c.2578C>T (p.Leu860Phe)

Gene: BRIP1 (BRCA1 interacting DNA helicase 1; minus strand). Cytogenetic location: 17q23.2.
Variant type: single nucleotide variant.
Coding change: c.2578C>T on transcript NM_032043.3 (MANE Select); coding-DNA position 2578, C replaced by T.
Protein change: p.Leu860Phe; replaces leucine 860 with phenylalanine.
Molecular consequence: missense variant.
Genome position (GRCh38, 1-based): chr17:61,686,163, G>A on the plus strand (C>T on the coding strand, the complement: BRIP1 is on the minus strand). VCF-style: chr17-61686163-G-A. GRCh37 (hg19) VCF-style: chr17-59763524-G-A.
Other names: short protein forms L860F.
Identifiers: ClinVar variation 530316 (VCV000530316.12), dbSNP rs1555573507, ClinGen allele CA400482012.

ClinVar aggregate classification (germline): Uncertain significance. Review status: criteria provided, multiple submitters, no conflicts (2 of 4 stars). 2 submissions from 2 submitters: Uncertain significance (2). Last evaluated 2025-08-16.

Conditions:
Fanconi anemia complementation group J. Also called: BRIP1-Related Fanconi Anemia. Identifiers: Orphanet 84, MedGen C1836860, MONDO:0012187, OMIM 609054.
Familial cancer of breast. Also called: BREAST CANCER, FAMILIAL; hereditary breast carcinoma; Hereditary breast cancer. Identifiers: Orphanet 227535, MedGen C0346153, MONDO:0016419, OMIM 114480. Disease mechanism: loss of function.
Hereditary cancer-predisposing syndrome. Also called: Neoplastic Syndromes, Hereditary; Hereditary neoplastic syndrome; Tumor predisposition; Hereditary Cancer Syndrome. Identifiers: Orphanet 140162, MedGen C0027672, MeSH D009386, MONDO:0015356.

Submissions (2):

Labcorp Genetics (formerly Invitae), Labcorp
Classification: Uncertain significance for Familial cancer of breast; Fanconi anemia complementation group J. Last evaluated: 2025-08-16. Review status: criteria provided, single submitter. Criteria: Invitae Variant Classification Sherloc (09022015). Collection method: clinical testing. Allele origin: germline.
Comment: This sequence change replaces leucine, which is neutral and non-polar, with phenylalanine, which is neutral and non-polar, at codon 860 of the BRIP1 protein (p.Leu860Phe). This variant is not present in population databases (gnomAD no frequency). This variant has not been reported in the literature in individuals affected with BRIP1-related conditions. ClinVar contains an entry for this variant (Variation ID: 530316). Invitae Evidence Modeling of protein sequence and biophysical properties (such as structural, functional, and spatial information, amino acid conservation, physicochemical variation, residue mobility, and thermodynamic stability) has been performed for this missense variant. However, the output from this modeling did not meet the statistical confidence thresholds required to predict the impact of this variant on BRIP1 protein function. In summary, the available evidence is currently insufficient to determine the role of this variant in disease. Therefore, it has been classified as a Variant of Uncertain Significance.

Ambry Genetics
Classification: Uncertain significance for Hereditary cancer-predisposing syndrome. Last evaluated: 2022-04-24. Review status: criteria provided, single submitter. Criteria: Ambry Variant Classification Scheme 2023. Collection method: clinical testing. Allele origin: germline.
Comment: The p.L860F variant (also known as c.2578C>T), located in coding exon 18 of the BRIP1 gene, results from a C to T substitution at nucleotide position 2578. The leucine at codon 860 is replaced by phenylalanine, an amino acid with highly similar properties. This amino acid position is conserved. In addition, this alteration is predicted to be deleterious by in silico analysis. Since supporting evidence is limited at this time, the clinical significance of this alteration remains unclear.